The following is an entry in ClinVar:

NM_002641.4(PIGA):c.295A>C (p.Asn99His)

Gene: PIGA (phosphatidylinositol glycan anchor biosynthesis class A; minus strand). Cytogenetic location: Xp22.2.
Variant type: single nucleotide variant.
Coding change: c.295A>C on transcript NM_002641.4 (MANE Select); coding-DNA position 295, A replaced by C.
Protein change: p.Asn99His; replaces asparagine 99 with histidine.
Molecular consequence: missense variant. On other transcripts: non-coding transcript variant (2), intron variant (2).
Genome position (GRCh38, 1-based): chrX:15,331,636, T>G on the plus strand (A>C on the coding strand, the complement: PIGA is on the minus strand). VCF-style: chrX-15331636-T-G. GRCh37 (hg19) VCF-style: chrX-15349758-T-G.
Other names: c.295A>C, p.Asn99His (NM_001440789.1); c.13+3865A>C (NM_020473.3); c.14-3323A>C (NM_001440790.1); short protein forms N99H.
Identifiers: ClinVar variation 4706202 (VCV004706202.1).

ClinVar aggregate classification (germline): Uncertain significance (1 of 4 stars; one submission).

Conditions:
Multiple congenital anomalies-hypotonia-seizures syndrome 2 (MCAHS2). Also called: EPILEPTIC ENCEPHALOPATHY, EARLY INFANTILE, 20; GLYCOSYLPHOSPHATIDYLINOSITOL BIOSYNTHESIS DEFECT 4. Identifiers: Orphanet 300496, MedGen C3275508, MONDO:0010466, OMIM 300868.

gnomAD v4.1: 2 of 1,210,356 alleles (0.00017%); highest among the groups gnomAD compares: Non-Finnish European, 0.00022%; no homozygotes.

Submission:

Labcorp Genetics (formerly Invitae), Labcorp
Classification: Uncertain significance for Multiple congenital anomalies-hypotonia-seizures syndrome 2. Last evaluated: 2025-04-26. Review status: criteria provided, single submitter. Criteria: Invitae Variant Classification Sherloc (09022015). Collection method: clinical testing. Allele origin: germline.
Comment: This sequence change replaces asparagine, which is neutral and polar, with histidine, which is basic and polar, at codon 99 of the PIGA protein (p.Asn99His). This variant is not present in population databases (gnomAD no frequency). This variant has not been reported in the literature in individuals affected with PIGA-related conditions. Invitae Evidence Modeling of protein sequence and biophysical properties (such as structural, functional, and spatial information, amino acid conservation, physicochemical variation, residue mobility, and thermodynamic stability) indicates that this missense variant is expected to disrupt PIGA protein function with a positive predictive value of 95%. In summary, the available evidence is currently insufficient to determine the role of this variant in disease. Therefore, it has been classified as a Variant of Uncertain Significance.